The following is an entry in ClinVar:

ClinVar aggregate classification (germline): Uncertain significance (1 of 4 stars; one submission).

Conditions:
Fanconi anemia (FA). Also called: Fanconi's anemia. Identifiers: Orphanet 84, MedGen C0015625, MeSH D005199, MONDO:0019391.

Submission:

Labcorp Genetics (formerly Invitae), Labcorp
Classification: Uncertain significance for Fanconi anemia. Last evaluated: 2022-05-28. Review status: criteria provided, single submitter. Criteria: Invitae Variant Classification Sherloc (09022015). Collection method: clinical testing. Allele origin: germline.
Comment: This sequence change replaces glutamic acid, which is acidic and polar, with aspartic acid, which is acidic and polar, at codon 476 of the FANCM protein (p.Glu476Asp). In summary, the available evidence is currently insufficient to determine the role of this variant in disease. Therefore, it has been classified as a Variant of Uncertain Significance. Algorithms developed to predict the effect of missense changes on protein structure and function (SIFT, PolyPhen-2, Align-GVGD) all suggest that this variant is likely to be tolerated. This variant has not been reported in the literature in individuals affected with FANCM-related conditions. This variant is not present in population databases (gnomAD no frequency).

NM_020937.4(FANCM):c.1428G>T (p.Glu476Asp)

Gene: FANCM (FA complementation group M; plus strand). Cytogenetic location: 14q21.2.
Variant type: single nucleotide variant.
Coding change: c.1428G>T on transcript NM_020937.4 (MANE Select); coding-DNA position 1428, G replaced by T.
Protein change: p.Glu476Asp; replaces glutamic acid 476 with aspartic acid.
Molecular consequence: missense variant.
Genome position (GRCh38, 1-based): chr14:45,159,127, G>T. VCF-style: chr14-45159127-G-T. GRCh37 (hg19) VCF-style: chr14-45628330-G-T.
Other names: c.1350G>T, p.Glu450Asp (NM_001308133.2); c.1428G>T, p.Glu476Asp (NM_001308134.2); short protein forms E476D, E450D.
Identifiers: ClinVar variation 2158783 (VCV002158783.4), dbSNP rs2503122332, ClinGen allele CA389592428.
Genomic context (GRCh38, chr14:45,159,127, plus strand): 5'-GTAATTAAAGTTTTTATATATATATATAGCTGAAAACACTACTGAAAAGAAACGTGATGA[G>T]ACCCGAGTTATGATCTTCTCTTCATTTCGAGATAGTGTTCAAGAAATTGCAGAAATGCTT-3'
Protein context (NP_065988.1, residues 466-486): AENTTEKKRD[Glu476Asp]TRVMIFSSFR